The following is an entry in ClinVar:

ClinVar aggregate classification (germline): Uncertain significance. Review status: criteria provided, multiple submitters, no conflicts (2 of 4 stars). 3 submissions from 3 submitters: Uncertain significance (2). 1 of the submissions does not count toward it. Last evaluated 2025-11-24.

Conditions:
Inborn genetic diseases. Identifiers: MedGen C0950123, MeSH D030342.
Retinal dystrophy. Also called: Inherited retinal dystrophy. Identifiers: Orphanet 71862, MedGen C0854723, MeSH D058499, MONDO:0019118, HP:0000556.

Allele frequency attached by ClinVar (database versions not stated): gnomAD 0.00004; ExAC 0.00002; gnomAD exomes 0.00002; TOPMed 0.00003.
gnomAD v4.1: 23 of 1,613,862 alleles (0.0014%); highest among the groups gnomAD compares: Non-Finnish European, 0.0017%; no homozygotes.

Submissions (3):

Ambry Genetics
Classification: Uncertain significance for Inborn genetic diseases. Last evaluated: 2025-11-24. Review status: criteria provided, single submitter. Criteria: Ambry Variant Classification Scheme 2023. Collection method: clinical testing. Allele origin: germline.

Labcorp Genetics (formerly Invitae), Labcorp
Classification: Uncertain significance. Last evaluated: 2024-11-05. Review status: criteria provided, single submitter. Criteria: Invitae Variant Classification Sherloc (09022015). Collection method: clinical testing. Allele origin: germline.
Comment: This sequence change replaces isoleucine, which is neutral and non-polar, with threonine, which is neutral and polar, at codon 96 of the ACBD5 protein (p.Ile96Thr). This variant is present in population databases (rs767839534, gnomAD 0.006%). This variant has not been reported in the literature in individuals affected with ACBD5-related conditions. ClinVar contains an entry for this variant (Variation ID: 843892). Invitae Evidence Modeling of protein sequence and biophysical properties (such as structural, functional, and spatial information, amino acid conservation, physicochemical variation, residue mobility, and thermodynamic stability) indicates that this missense variant is not expected to disrupt ACBD5 protein function with a negative predictive value of 80%. In summary, the available evidence is currently insufficient to determine the role of this variant in disease. Therefore, it has been classified as a Variant of Uncertain Significance.

Institute of Human Genetics, Univ. Regensburg, Univ. Regensburg
Classification: Uncertain significance for Retinal dystrophy. Last evaluated: 2022-01-01. Review status: no assertion criteria provided. Criteria: ACMG Guidelines, 2015. Collection method: clinical testing. Allele origin: germline. Affected: yes. Not counted in ClinVar's aggregate classification.

NM_145698.5(ACBD5):c.287T>C (p.Ile96Thr)

Gene: ACBD5 (acyl-CoA binding domain containing 5; minus strand). Cytogenetic location: 10p12.1.
Variant type: single nucleotide variant.
Coding change: c.287T>C on transcript NM_145698.5 (MANE Select); coding-DNA position 287, T replaced by C.
Protein change: p.Ile96Thr; replaces isoleucine 96 with threonine.
Molecular consequence: missense variant. On other transcripts: intron variant (7).
Genome position (GRCh38, 1-based): chr10:27,235,107, A>G on the plus strand (T>C on the coding strand, the complement: ACBD5 is on the minus strand). VCF-style: chr10-27235107-A-G. GRCh37 (hg19) VCF-style: chr10-27524036-A-G.
Other names: c.287T>C (NM_145698.3); c.182T>C, p.Ile61Thr (NM_001042473.4, NM_001352574.2, NM_001352575.2 and 6 more transcripts); c.281T>C, p.Ile94Thr (NM_001271512.3, NM_001352571.1, NM_001352586.1 and 1 more transcripts); c.308T>C, p.Ile103Thr (NM_001352568.1, NM_001352572.1); c.287T>C, p.Ile96Thr (NM_001352569.1, NM_001352570.1, NM_001352573.1 and 2 more transcripts); c.-25-3287T>C (NM_001301253.2, NM_001301251.2, NM_001352583.1 and 4 more transcripts); short protein forms I96T, I94T, I103T, I61T.
Identifiers: ClinVar variation 843892 (VCV000843892.8), dbSNP rs767839534, ClinGen allele CA5451005.